The following is an entry in ClinVar:

NM_002180.3(IGHMBP2):c.1560G>T (p.Leu520Phe)

Genes: IGHMBP2 (immunoglobulin mu DNA binding protein 2; plus strand), LOC126861245 (CDK7 strongly-dependent group 2 enhancer GRCh37_chr11:68701479-68702678; plus strand). Cytogenetic location: 11q13.3.
Variant type: single nucleotide variant.
Coding change: c.1560G>T on transcript NM_002180.3 (MANE Select); coding-DNA position 1560, G replaced by T.
Protein change: p.Leu520Phe; replaces leucine 520 with phenylalanine.
Molecular consequence: missense variant.
Genome position (GRCh38, 1-based): chr11:68,934,486, G>T. VCF-style: chr11-68934486-G-T. GRCh37 (hg19) VCF-style: chr11-68701954-G-T.
Other names: c.1560G>T (NM_002180.2); short protein forms L520F.
Identifiers: ClinVar variation 1375876 (VCV001375876.7), dbSNP rs375645505, ClinGen allele CA6153705.

ClinVar aggregate classification (germline): Uncertain significance. Review status: criteria provided, multiple submitters, no conflicts (2 of 4 stars). 2 submissions from 2 submitters: Uncertain significance (2). Last evaluated 2021-12-18.

Conditions:
Inborn genetic diseases. Identifiers: MedGen C0950123, MeSH D030342.
Charcot-Marie-Tooth disease axonal type 2S. Also called: CHARCOT-MARIE-TOOTH NEUROPATHY, TYPE 2S; CHARCOT-MARIE-TOOTH DISEASE, AXONAL, AUTOSOMAL RECESSIVE, TYPE 2S. Identifiers: Orphanet 443073, MedGen C4015349, MONDO:0014511, OMIM 616155.
Autosomal recessive distal spinal muscular atrophy 1. Also called: NEURONOPATHY, SEVERE INFANTILE AXONAL, WITH RESPIRATORY FAILURE; SEVERE INFANTILE AXONAL NEUROPATHY WITH RESPIRATORY FAILURE; SPINAL MUSCULAR ATROPHY, DIAPHRAGMATIC; HMN VI; Spinal muscular atrophy with respiratory distress 1; NEURONOPATHY, DISTAL HEREDITARY MOTOR, HARDING TYPE VI. Identifiers: Orphanet 98920, MedGen C1858517, MONDO:0011436, OMIM 604320.

Allele frequency attached by ClinVar (database versions not stated): gnomAD exomes below 0.00001; ExAC 0.00001; gnomAD 0.00003; TOPMed 0.00003; ESP Exome Variant Server 0.00015.
gnomAD v4.1: 5 of 1,611,852 alleles (0.00031%); highest among the groups gnomAD compares: African/African-American, 0.0067%; no homozygotes.

Submissions (2):

Labcorp Genetics (formerly Invitae), Labcorp
Classification: Uncertain significance for Autosomal recessive distal spinal muscular atrophy 1; Charcot-Marie-Tooth disease axonal type 2S. Last evaluated: 2021-12-18. Review status: criteria provided, single submitter. Criteria: Invitae Variant Classification Sherloc (09022015). Collection method: clinical testing. Allele origin: germline.
Comment: In summary, the available evidence is currently insufficient to determine the role of this variant in disease. Therefore, it has been classified as a Variant of Uncertain Significance. Advanced modeling of protein sequence and biophysical properties (such as structural, functional, and spatial information, amino acid conservation, physicochemical variation, residue mobility, and thermodynamic stability) performed at Invitae indicates that this missense variant is not expected to disrupt IGHMBP2 protein function. This variant has not been reported in the literature in individuals affected with IGHMBP2-related conditions. This variant is present in population databases (rs375645505, gnomAD 0.01%). This sequence change replaces leucine, which is neutral and non-polar, with phenylalanine, which is neutral and non-polar, at codon 520 of the IGHMBP2 protein (p.Leu520Phe).

Ambry Genetics
Classification: Uncertain significance for Inborn genetic diseases. Last evaluated: 2021-08-13. Review status: criteria provided, single submitter. Criteria: Ambry Variant Classification Scheme 2023. Collection method: clinical testing. Allele origin: germline.